The following is an entry in ClinVar:

NM_000061.2(BTK):c.842_844delGGT

Gene: BTK (Bruton tyrosine kinase; minus strand). Cytogenetic location: Xq22.1.
Variant type: Microsatellite.
Coding change: c.842_844delGGT on transcript NM_000061.2; coding-DNA positions 842 to 844, 3 bases deleted (GGT).
Genome position (GRCh38, 1-based): chrX:101,359,343-101,359,345, ACC deleted on the plus strand (GGT on the coding strand, the reverse complement: BTK is on the minus strand); deleting any 3 consecutive bases within chrX:101,359,343-101,359,348 gives the same sequence; the c. name uses the placement nearest the transcript's 3' end. VCF-style (leftmost placement, unchanged base first): chrX-101359342-TACC-T. GRCh37 (hg19) VCF-style: chrX-100614330-TACC-T.
Identifiers: ClinVar variation 1197049 (VCV001197049.4), dbSNP rs2147431016, ClinGen allele CA2580612447.

ClinVar aggregate classification (germline): Likely pathogenic (1 of 4 stars; one submission).

Submission:

GeneDx
Classification: Likely pathogenic. Last evaluated: 2019-12-20. Review status: criteria provided, single submitter. Criteria: GeneDx Variant Classification Process June 2021. Collection method: clinical testing. Allele origin: germline. Affected: yes.
Comment: In-frame deletion of one amino acid in a non-repeat region.; Not observed in large population cohorts (Lek et al., 2016); In silico analysis, which includes protein predictors and evolutionary conservation, supports a deleterious effect; Has not been previously published as pathogenic or benign to our knowledge